The following is an entry in ClinVar:

NM_000143.4(FH):c.979G>T (p.Ala327Ser)

Gene: FH (fumarate hydratase; minus strand). Cytogenetic location: 1q43.
Variant type: single nucleotide variant.
Coding change: c.979G>T on transcript NM_000143.4 (MANE Select); coding-DNA position 979, G replaced by T.
Protein change: p.Ala327Ser; replaces alanine 327 with serine.
Molecular consequence: missense variant.
Genome position (GRCh38, 1-based): chr1:241,504,171, C>A on the plus strand (G>T on the coding strand, the complement: FH is on the minus strand). VCF-style: chr1-241504171-C-A. GRCh37 (hg19) VCF-style: chr1-241667471-C-A.
Other names: short protein forms A327S.
Identifiers: ClinVar variation 3668331 (VCV003668331.2).

ClinVar aggregate classification (germline): Uncertain significance (1 of 4 stars; one submission).

Submission:

Labcorp Genetics (formerly Invitae), Labcorp
Classification: Uncertain significance. Last evaluated: 2024-04-08. Review status: criteria provided, single submitter. Criteria: Invitae Variant Classification Sherloc (09022015). Collection method: clinical testing. Allele origin: germline.
Comment: This sequence change replaces alanine, which is neutral and non-polar, with serine, which is neutral and polar, at codon 327 of the FH protein (p.Ala327Ser). This variant is not present in population databases (gnomAD no frequency). This variant has not been reported in the literature in individuals affected with FH-related conditions. Advanced modeling of protein sequence and biophysical properties (such as structural, functional, and spatial information, amino acid conservation, physicochemical variation, residue mobility, and thermodynamic stability) performed at Invitae indicates that this missense variant is not expected to disrupt FH protein function with a negative predictive value of 80%. In summary, the available evidence is currently insufficient to determine the role of this variant in disease. Therefore, it has been classified as a Variant of Uncertain Significance.